The following is an entry in ClinVar:

NM_139027.6(ADAMTS13):c.1795A>C (p.Ile599Leu)

Gene: ADAMTS13 (ADAM metallopeptidase with thrombospondin type 1 motif 13; plus strand). Cytogenetic location: 9q34.2.
Variant type: single nucleotide variant.
Coding change: c.1795A>C on transcript NM_139027.6 (MANE Select); coding-DNA position 1795, A replaced by C.
Protein change: p.Ile599Leu; replaces isoleucine 599 with leucine.
Molecular consequence: missense variant. On other transcripts: non-coding transcript variant (1).
Genome position (GRCh38, 1-based): chr9:133,440,352, A>C. VCF-style: chr9-133440352-A-C. GRCh37 (hg19) VCF-style: chr9-136305473-A-C.
Other names: p.Ile599Leu; c.1795A>C, p.Ile599Leu (NM_139025.5); c.1702A>C, p.Ile568Leu (NM_139026.6); short protein forms I568L, I599L.
Identifiers: ClinVar variation 3379926 (VCV003379926.1).

ClinVar aggregate classification (germline): Uncertain significance (1 of 4 stars; one submission).

Submission:

Mayo Clinic Laboratories, Mayo Clinic
Classification: Uncertain significance. Last evaluated: 2023-09-26. Review status: criteria provided, single submitter. Criteria: ACMG Guidelines, 2015. Collection method: clinical testing. Allele origin: germline. Observed: 1 variant allele.
Comment: BP4_strong, PM2